The following is an entry in ClinVar:

ClinVar aggregate classification (germline): Pathogenic (1 of 4 stars; one submission).

Submission:

Labcorp Genetics (formerly Invitae), Labcorp
Classification: Pathogenic. Last evaluated: 2023-06-27. Review status: criteria provided, single submitter. Criteria: Invitae Variant Classification Sherloc (09022015). Collection method: clinical testing. Allele origin: germline.
Comment: This sequence change affects a donor splice site in intron 2 of the CERKL gene. It is expected to disrupt RNA splicing. Variants that disrupt the donor or acceptor splice site typically lead to a loss of protein function (PMID: 16199547), and loss-of-function variants in CERKL are known to be pathogenic (PMID: 14681825, 23591405, 24043777). This variant is not present in population databases (gnomAD no frequency). For these reasons, this variant has been classified as Pathogenic. Algorithms developed to predict the effect of sequence changes on RNA splicing suggest that this variant may disrupt the consensus splice site. Disruption of this splice site has been observed in individual(s) with inherited retinal dystrophy (PMID: 32531858, 33921607). It has also been observed to segregate with disease in related individuals.

Literature cited by the submitters: PubMed 16199547; PubMed 14681825; PubMed 23591405; PubMed 24043777; PubMed 32531858; PubMed 33921607.

NM_201548.5(CERKL):c.481+1G>T

Gene: CERKL (CERK like autophagy regulator; minus strand). Cytogenetic location: 2q31.3.
Variant type: single nucleotide variant.
Coding change: c.481+1G>T on transcript NM_201548.5 (MANE Select); the canonical splice donor site of the intron after coding-DNA position 481, G replaced by T.
Molecular consequence: splice donor variant.
Genome position (GRCh38, 1-based): chr2:181,603,836, C>A on the plus strand (G>T on the coding strand, the complement: CERKL is on the minus strand). VCF-style: chr2-181603836-C-A. GRCh37 (hg19) VCF-style: chr2-182468563-C-A.
Other names: c.481+1G>T (NM_001030312.3, NM_001160277.2, NM_001030313.3 and 1 more transcripts).
Identifiers: ClinVar variation 2846531 (VCV002846531.3), dbSNP rs2468432613, ClinGen allele CA349729724.